The following is an entry in ClinVar:

NM_006231.4(POLE):c.887T>C (p.Ile296Thr)

Gene: POLE (DNA polymerase epsilon, catalytic subunit; minus strand). Cytogenetic location: 12q24.33.
Variant type: single nucleotide variant.
Coding change: c.887T>C on transcript NM_006231.4 (MANE Select); coding-DNA position 887, T replaced by C.
Protein change: p.Ile296Thr; replaces isoleucine 296 with threonine.
Molecular consequence: missense variant.
Genome position (GRCh38, 1-based): chr12:132,676,568, A>G on the plus strand (T>C on the coding strand, the complement: POLE is on the minus strand). VCF-style: chr12-132676568-A-G. GRCh37 (hg19) VCF-style: chr12-133253154-A-G.
Other names: c.887T>C (NM_006231.2); short protein forms I296T.
Identifiers: ClinVar variation 2081606 (VCV002081606.2), dbSNP rs2542171189, ClinGen allele CA387364205.
Genomic context (GRCh38, chr12:132,676,568, plus strand): 5'-CATCCCAGGAGCTTACTTCCCAGAAGCCACCTGCTCACCTGGCCATCGATCATGTAGGAA[A>G]TCATCATAATCTGGTCTGTCTCAGCATCAGGAAACTTGAGGGGCAGTTTGGTCGTCTCAA-3'
Protein context (NP_006222.2, residues 286-306): PDAETDQIMM[Ile296Thr]SYMIDGQGYL

ClinVar aggregate classification (germline): Uncertain significance. Review status: criteria provided, multiple submitters, no conflicts (2 of 4 stars). 2 submissions from 2 submitters: Uncertain significance (2). Last evaluated 2023-09-25.

Conditions:
Hereditary cancer-predisposing syndrome. Also called: Tumor predisposition; Neoplastic Syndromes, Hereditary; Hereditary Cancer Syndrome; Hereditary neoplastic syndrome. Identifiers: Orphanet 140162, MedGen C0027672, MeSH D009386, MONDO:0015356.
Colorectal cancer, susceptibility to, 12 (CRCS12). Also called: COLORECTAL CANCER, SUSCEPTIBILITY TO, ON CHROMOSOME 12q24. Identifiers: Orphanet 220460, MedGen C3554460, MONDO:0014038, OMIM 615083.

Allele frequency attached by ClinVar (database versions not stated): gnomAD exomes below 0.00001.

Submissions (2):

Ambry Genetics
Classification: Uncertain significance for Hereditary cancer-predisposing syndrome. Last evaluated: 2023-09-25. Review status: criteria provided, single submitter. Criteria: Ambry Variant Classification Scheme 2023. Collection method: clinical testing. Allele origin: germline.
Comment: The p.I296T variant (also known as c.887T>C), located in coding exon 9 of the POLE gene, results from a T to C substitution at nucleotide position 887. The isoleucine at codon 296 is replaced by threonine, an amino acid with similar properties. This amino acid position is conserved. In addition, this alteration is predicted to be deleterious by in silico analysis. Since supporting evidence is limited at this time, the clinical significance of this alteration remains unclear.

Labcorp Genetics (formerly Invitae), Labcorp
Classification: Uncertain significance for Colorectal cancer, susceptibility to, 12. Last evaluated: 2022-01-13. Review status: criteria provided, single submitter. Criteria: Invitae Variant Classification Sherloc (09022015). Collection method: clinical testing. Allele origin: germline.
Comment: This sequence change replaces isoleucine, which is neutral and non-polar, with threonine, which is neutral and polar, at codon 296 of the POLE protein (p.Ile296Thr). This variant is not present in population databases (gnomAD no frequency). This variant has not been reported in the literature in individuals affected with POLE-related conditions. Algorithms developed to predict the effect of missense changes on protein structure and function (SIFT, PolyPhen-2, Align-GVGD) all suggest that this variant is likely to be disruptive. In summary, the available evidence is currently insufficient to determine the role of this variant in disease. Therefore, it has been classified as a Variant of Uncertain Significance.